The following is an entry in ClinVar:

NM_031407.7(HUWE1):c.7686T>C (p.His2562=)

Gene: HUWE1 (HECT, UBA and WWE domain containing E3 ubiquitin protein ligase 1; minus strand). Cytogenetic location: Xp11.22.
Variant type: single nucleotide variant.
Coding change: c.7686T>C on transcript NM_031407.7 (MANE Select); coding-DNA position 7686, T replaced by C.
Protein change: p.His2562=; no amino-acid change (histidine 2562 retained).
Molecular consequence: synonymous variant.
Genome position (GRCh38, 1-based): chrX:53,560,238, A>G on the plus strand (T>C on the coding strand, the complement: HUWE1 is on the minus strand). VCF-style: chrX-53560238-A-G. GRCh37 (hg19) VCF-style: chrX-53587199-A-G.
Identifiers: ClinVar variation 3036879 (VCV003036879.4), dbSNP rs1556939623, ClinGen allele CA516431578.

ClinVar aggregate classification (germline): Likely benign. Review status: criteria provided, multiple submitters, no conflicts (2 of 4 stars). 3 submissions from 3 submitters: Likely benign (2). 1 of the submissions does not count toward it. Last evaluated 2025-05-11.

Conditions:
HUWE1-related disorder. Also called: HUWE1-related condition.

Allele frequency attached by ClinVar (database versions not stated): gnomAD 0.00002; gnomAD exomes 0.00002; TOPMed 0.00002.
gnomAD v4.1: 18 of 1,205,870 alleles (0.0015%); highest among the groups gnomAD compares: Non-Finnish European, 0.002%; no homozygotes.

Submissions (3):

Labcorp Genetics (formerly Invitae), Labcorp
Classification: Likely benign. Last evaluated: 2025-05-11. Review status: criteria provided, single submitter. Criteria: Invitae Variant Classification Sherloc (09022015). Collection method: clinical testing. Allele origin: germline.

Blueprint Genetics
Classification: Likely benign. Last evaluated: 2023-09-19. Review status: criteria provided, single submitter. Criteria: ACMG Guidelines, 2015. Collection method: clinical testing. Allele origin: germline.

PreventionGenetics, part of Exact Sciences
Classification: Likely benign for HUWE1-related condition. Last evaluated: 2022-02-08. Review status: no assertion criteria provided. Collection method: clinical testing. Allele origin: germline. Not counted in ClinVar's aggregate classification.
Comment: This variant is classified as likely benign based on ACMG/AMP sequence variant interpretation guidelines (Richards et al. 2015 PMID: 25741868, with internal and published modifications).